The following is an entry in ClinVar:

NM_033305.3(VPS13A):c.8902_8905del (p.Val2968fs)

Gene: VPS13A (vacuolar protein sorting 13 homolog A; plus strand). Cytogenetic location: 9q21.2.
Variant type: Deletion.
Coding change: c.8902_8905del on transcript NM_033305.3 (MANE Select); coding-DNA positions 8902 to 8905, 4 bases deleted (GTTT; older notation c.8902_8905delGTTT).
Protein change: p.Val2968fs; shifts the reading frame from valine 2968.
Molecular consequence: frameshift variant.
Genome position (GRCh38, 1-based): chr9:77,370,573-77,370,576, GTTT deleted. VCF-style (leftmost placement, unchanged base first): chr9-77370572-AGTTT-A. GRCh37 (hg19) VCF-style: chr9-79985488-AGTTT-A.
Other names: c.8785_8788del, p.Val2929fs (NM_001018037.2); c.8902_8905del, p.Val2968fs (NM_001018038.3, NM_015186.4); short protein forms V2929fs, V2968fs.
Identifiers: ClinVar variation 4816432 (VCV004816432.1).

ClinVar aggregate classification (germline): Likely pathogenic (1 of 4 stars; one submission).

Conditions:
VPS13A-related neurodegenerative disease. Also called: LEVINE-CRITCHLEY SYNDROME; Choreaacanthocytosis; ACANTHOCYTOSIS WITH NEUROLOGIC DISORDER; Choreoacanthocytosis; Chorea-acanthocytosis; VPS13A Disease. Identifiers: Orphanet 2388, MedGen C0393576, MONDO:0008695, OMIM 200150.

Submission:

Natera, Inc.
Classification: Likely pathogenic for Choreaacanthocytosis. Last evaluated: 2024-05-03. Review status: criteria provided, single submitter. Criteria: Natera Variant Classification Schema (03/2026). Collection method: clinical testing. Allele origin: germline.
Comment: The c.8902_8905delGTTT variant in VPS13A is a frameshift variant predicted to shift the reading frame beginning at codon 2968 and leads to a stop codon 7 codons downstream. This variant is expected to result in nonsense mediated decay, truncation, or a dysfunctional protein product. This variant is rare in the general population with a frequency below the threshold expected for the associated phenotype(s). Given the available evidence, this variant is classified as Likely Pathogenic.